The following is an entry in ClinVar:

NM_015629.4(PRPF31):c.247C>G (p.Pro83Ala)

Genes: PRPF31 (pre-mRNA processing factor 31; plus strand), PRPF31-AS1 (PRPF31 antisense RNA 1; minus strand). Cytogenetic location: 19q13.42.
Variant type: single nucleotide variant.
Coding change: c.247C>G on transcript NM_015629.4 (MANE Select); coding-DNA position 247, C replaced by G.
Protein change: p.Pro83Ala; replaces proline 83 with alanine.
Molecular consequence: missense variant.
Genome position (GRCh38, 1-based): chr19:54,121,868, C>G. VCF-style: chr19-54121868-C-G. GRCh37 (hg19) VCF-style: chr19-54625247-C-G.
Other names: c.247C>G (NM_015629.3); short protein forms P83A.
Identifiers: ClinVar variation 1362598 (VCV001362598.9), dbSNP rs747554145, ClinGen allele CA309323446.
Genomic context (GRCh38, chr19:54,121,868, plus strand): 5'-GAGAGGGGGTAGGGATTTAGATACTCACACCCATGCCTCCGTGTCCTCACAGTGATGGGA[C>G]CAGTGGAGGCCGCGCCTGAATACCGCGTCATCGTGGATGCCAACAACCTGACCGTGGAGA-3'
Protein context (NP_056444.3, residues 73-93): KQAKASEVMG[Pro83Ala]VEAAPEYRVI

ClinVar aggregate classification (germline): Uncertain significance. Review status: criteria provided, multiple submitters, no conflicts (2 of 4 stars). 4 submissions from 4 submitters: Uncertain significance (4). Last evaluated 2024-12-30.

Conditions:
PRPF31-related disorder. Also called: PRPF31-related condition.
Inborn genetic diseases. Identifiers: MedGen C0950123, MeSH D030342.

Allele frequency attached by ClinVar (database versions not stated): ExAC 0.00001; gnomAD exomes 0.00002.
gnomAD v4.1: 21 of 1,611,384 alleles (0.0013%); highest among the groups gnomAD compares: Non-Finnish European, 0.0017%; no homozygotes.

Submissions (4):

PreventionGenetics, part of Exact Sciences
Classification: Uncertain significance for PRPF31-related condition. Last evaluated: 2024-12-30. Review status: criteria provided, single submitter. Criteria: ACMG Guidelines, 2015. Collection method: clinical testing. Allele origin: germline.
Comment: The PRPF31 c.247C>G variant is predicted to result in the amino acid substitution p.Pro83Ala. To our knowledge, this variant has not been reported in the literature or in a large population database (gnomAD), indicating this variant is rare. This variant is interpreted as a variant of uncertain significance in the Leiden Open Variant Database for the PRPF31 gene. At this time, the clinical significance of this variant is uncertain due to the absence of conclusive functional and genetic evidence.

Labcorp Genetics (formerly Invitae), Labcorp
Classification: Uncertain significance. Last evaluated: 2024-11-19. Review status: criteria provided, single submitter. Criteria: Invitae Variant Classification Sherloc (09022015). Collection method: clinical testing. Allele origin: germline.
Comment: This sequence change replaces proline, which is neutral and non-polar, with alanine, which is neutral and non-polar, at codon 83 of the PRPF31 protein (p.Pro83Ala). This variant is not present in population databases (gnomAD no frequency). This variant has not been reported in the literature in individuals affected with PRPF31-related conditions. ClinVar contains an entry for this variant (Variation ID: 1362598). An algorithm developed to predict the effect of missense changes on protein structure and function (PolyPhen-2) suggests that this variant is likely to be disruptive. In summary, the available evidence is currently insufficient to determine the role of this variant in disease. Therefore, it has been classified as a Variant of Uncertain Significance.

Blueprint Genetics
Classification: Uncertain significance. Last evaluated: 2024-09-05. Review status: criteria provided, single submitter. Criteria: ACMG Guidelines, 2015. Collection method: clinical testing. Allele origin: germline.

Ambry Genetics
Classification: Uncertain significance for Inborn genetic diseases. Last evaluated: 2023-12-27. Review status: criteria provided, single submitter. Criteria: Ambry Variant Classification Scheme 2023. Collection method: clinical testing. Allele origin: germline.